The following is an entry in ClinVar:

ClinVar aggregate classification (germline): Pathogenic. Review status: criteria provided, multiple submitters, no conflicts (2 of 4 stars). 2 submissions from 2 submitters: Pathogenic (2). Last evaluated 2026-04-13.

Conditions:
Danon disease. Also called: ANTOPOL DISEASE; PSEUDOGLYCOGENOSIS II; GSD IIb; LYSOSOMAL GLYCOGEN STORAGE DISEASE WITHOUT ACID MALTASE DEFICIENCY; Glycogen Storage Disease Type IIb. Identifiers: Orphanet 34587, MedGen C0878677, MONDO:0010281, OMIM 300257.
Cardiovascular phenotype. Identifiers: MedGen CN230736.

Submissions (2):

Ambry Genetics
Classification: Pathogenic for Cardiovascular phenotype. Last evaluated: 2026-04-13. Review status: criteria provided, single submitter. Criteria: Ambry Variant Classification Scheme 2023. Collection method: clinical testing. Allele origin: germline.
Comment: The c.631delA (p.T211Hfs*31) alteration, located in exon 5 (coding exon 5) of the LAMP2 gene, consists of a deletion of one nucleotide at position 631, causing a translational frameshift with a predicted alternate stop codon after 31 amino acids. This variant is expected to result in loss of function by premature protein truncation or nonsense-mediated mRNA decay. This variant was not reported in population-based cohorts in the Genome Aggregation Database (gnomAD). Based on the available evidence, this alteration is classified as pathogenic.

Labcorp Genetics (formerly Invitae), Labcorp
Classification: Pathogenic for Danon disease. Last evaluated: 2025-12-22. Review status: criteria provided, single submitter. Criteria: Invitae Variant Classification Sherloc (09022015). Collection method: clinical testing. Allele origin: germline.
Comment: This sequence change creates a premature translational stop signal (p.Thr211Hisfs*31) in the LAMP2 gene. It is expected to result in an absent or disrupted protein product. Loss-of-function variants in LAMP2 are known to be pathogenic (PMID: 21415759). This variant is not present in population databases (gnomAD no frequency). This variant has not been reported in the literature in individuals affected with LAMP2-related conditions. For these reasons, this variant has been classified as Pathogenic.

Literature cited by the submitters: PubMed 21415759 (cited by Labcorp Genetics (formerly Invitae), Labcorp).

NM_002294.3(LAMP2):c.631del (p.Thr211fs)

Gene: LAMP2 (lysosome associated membrane protein 2; minus strand). Cytogenetic location: Xq24.
Variant type: Deletion.
Coding change: c.631del on transcript NM_002294.3 (MANE Select); coding-DNA position 631, one base deleted (A; older notation c.631delA).
Protein change: p.Thr211fs; shifts the reading frame from threonine 211.
Molecular consequence: frameshift variant.
Genome position (GRCh38, 1-based): chrX:120,447,951, T deleted on the plus strand (A on the coding strand, the reverse complement: LAMP2 is on the minus strand); the first of 2 consecutive T bases (chrX:120,447,951-120,447,952); deleting either gives the same sequence. VCF-style (leftmost placement, unchanged base first): chrX-120447950-GT-G. GRCh37 (hg19) VCF-style: chrX-119581805-GT-G.
Other names: c.631delA (NM_002294.2); c.631del, p.Thr211fs (NM_001122606.1, NM_013995.2); short protein forms T211fs.
Identifiers: ClinVar variation 4810587 (VCV004810587.2).